The following is an entry in ClinVar:

NM_001330078.2(NRXN1):c.2440G>A (p.Val814Ile)

Gene: NRXN1 (neurexin 1; minus strand). Cytogenetic location: 2p16.3.
Variant type: single nucleotide variant.
Coding change: c.2440G>A on transcript NM_001330078.2 (MANE Select); coding-DNA position 2440, G replaced by A.
Protein change: p.Val814Ile; replaces valine 814 with isoleucine.
Molecular consequence: missense variant.
Genome position (GRCh38, 1-based): chr2:50,506,552, C>T on the plus strand (G>A on the coding strand, the complement: NRXN1 is on the minus strand). VCF-style: chr2-50506552-C-T. GRCh37 (hg19) VCF-style: chr2-50733690-C-T.
Other names: c.2560G>A, p.Val854Ile (NM_001135659.3); c.2416G>A, p.Val806Ile (NM_001330077.2, NM_001330082.2); c.2374G>A, p.Val792Ile (NM_001330083.2, NM_001330084.2); c.2413G>A, p.Val805Ile (NM_001330085.2); c.2440G>A, p.Val814Ile (NM_001330086.2, NM_004801.6); c.2329G>A, p.Val777Ile (NM_001330087.2, NM_001330096.2); c.2359G>A, p.Val787Ile (NM_001330088.2); c.2437G>A, p.Val813Ile (NM_001330093.2); and 2 more; short protein forms V805I, V814I, V797I, V810I, V806I, V777I, V787I, V792I.
Identifiers: ClinVar variation 2815891 (VCV002815891.3), dbSNP rs2469000699, ClinGen allele CA346777940.

ClinVar aggregate classification (germline): Uncertain significance (1 of 4 stars; one submission).

Conditions:
Pitt-Hopkins-like syndrome 2 (PTHSL2). Identifiers: Orphanet 221150, Orphanet 600663, MedGen C3280479, MONDO:0013690, OMIM 614325.

Submission:

Labcorp Genetics (formerly Invitae), Labcorp
Classification: Uncertain significance for Pitt-Hopkins-like syndrome 2. Last evaluated: 2022-11-23. Review status: criteria provided, single submitter. Criteria: Invitae Variant Classification Sherloc (09022015). Collection method: clinical testing. Allele origin: germline.
Comment: In summary, the available evidence is currently insufficient to determine the role of this variant in disease. Therefore, it has been classified as a Variant of Uncertain Significance. Algorithms developed to predict the effect of missense changes on protein structure and function are either unavailable or do not agree on the potential impact of this missense change (SIFT: "Tolerated"; PolyPhen-2: "Possibly Damaging"; Align-GVGD: "Class C0"). This variant has not been reported in the literature in individuals affected with NRXN1-related conditions. This variant is not present in population databases (gnomAD no frequency). This sequence change replaces valine, which is neutral and non-polar, with isoleucine, which is neutral and non-polar, at codon 854 of the NRXN1 protein (p.Val854Ile).